The following is an entry in ClinVar:

NM_022124.6(CDH23):c.3573C>T (p.Ser1191=)

Genes: C10orf105 (chromosome 10 open reading frame 105; minus strand), CDH23 (cadherin related 23; plus strand). Cytogenetic location: 10q22.1.
Variant type: single nucleotide variant.
Coding change: c.3573C>T on transcript NM_022124.6 (MANE Select); coding-DNA position 3573, C replaced by T.
Protein change: p.Ser1191=; no amino-acid change (serine 1191 retained).
Molecular consequence: synonymous variant. On other transcripts: intron variant (1).
Genome position (GRCh38, 1-based): chr10:71,725,514, C>T. VCF-style: chr10-71725514-C-T. GRCh37 (hg19) VCF-style: chr10-73485271-C-T.
Other names: c.3573C>T, p.Ser1191= (NM_001171930.2); c.-5-9172G>A (NM_001168390.2).
Identifiers: ClinVar variation 1133471 (VCV001133471.11), dbSNP rs898833044, ClinGen allele CA209477954.

ClinVar aggregate classification (germline): Likely benign. Review status: criteria provided, single submitter (1 of 4 stars). 2 submissions from 2 submitters: Likely benign (1). 1 of the submissions does not count toward it. Last evaluated 2026-01-25.

Conditions:
CDH23-related disorder. Also called: CDH23-related condition; CDH23-related disorders.

Allele frequency attached by ClinVar (database versions not stated): gnomAD 0.00004 and 0.00005; TOPMed 0.00006; gnomAD exomes 0.00002.
gnomAD v4.1: 36 of 1,612,886 alleles (0.0022%); highest among the groups gnomAD compares: Admixed American, 0.0084%; no homozygotes.

Submissions (2):

Labcorp Genetics (formerly Invitae), Labcorp
Classification: Likely benign. Last evaluated: 2026-01-25. Review status: criteria provided, single submitter. Criteria: Invitae Variant Classification Sherloc (09022015). Collection method: clinical testing. Allele origin: germline.

PreventionGenetics, part of Exact Sciences
Classification: Likely benign for CDH23-related condition. Last evaluated: 2020-07-02. Review status: no assertion criteria provided. Collection method: clinical testing. Allele origin: germline. Not counted in ClinVar's aggregate classification.
Comment: This variant is classified as likely benign based on ACMG/AMP sequence variant interpretation guidelines (Richards et al. 2015 PMID: 25741868, with internal and published modifications).